The following is an entry in ClinVar:

NM_019032.6(ADAMTSL4):c.1835A>G (p.Glu612Gly)

Genes: ADAMTSL4 (ADAMTS like 4; plus strand), ADAMTSL4-AS2 (ADAMTSL4 antisense RNA 2; minus strand). Cytogenetic location: 1q21.2.
Variant type: single nucleotide variant.
Coding change: c.1835A>G on transcript NM_019032.6 (MANE Select); coding-DNA position 1835, A replaced by G.
Protein change: p.Glu612Gly; replaces glutamic acid 612 with glycine.
Molecular consequence: missense variant. On other transcripts: intron variant (1).
Genome position (GRCh38, 1-based): chr1:150,557,024, A>G. VCF-style: chr1-150557024-A-G. GRCh37 (hg19) VCF-style: chr1-150529500-A-G.
Other names: c.1904A>G, p.Glu635Gly (NM_001288608.2); c.1835A>G, p.Glu612Gly (NM_001378596.1, NM_025008.5); c.1856+48A>G (NM_001288607.2); short protein forms E635G, E612G.
Identifiers: ClinVar variation 1484532 (VCV001484532.3), dbSNP rs2101632629, ClinGen allele CA342313414.

ClinVar aggregate classification (germline): Uncertain significance (1 of 4 stars; one submission).

Allele frequency attached by ClinVar (database versions not stated): gnomAD exomes below 0.00001.
gnomAD v4.1: 4 of 1,613,872 alleles (0.00025%); highest among the groups gnomAD compares: Admixed American, 0.0067%; no homozygotes.

Submission:

Labcorp Genetics (formerly Invitae), Labcorp
Classification: Uncertain significance. Last evaluated: 2022-05-27. Review status: criteria provided, single submitter. Criteria: Invitae Variant Classification Sherloc (09022015). Collection method: clinical testing. Allele origin: germline.
Comment: This sequence change replaces glutamic acid, which is acidic and polar, with glycine, which is neutral and non-polar, at codon 612 of the ADAMTSL4 protein (p.Glu612Gly). This variant is not present in population databases (gnomAD no frequency). This variant has not been reported in the literature in individuals affected with ADAMTSL4-related conditions. Algorithms developed to predict the effect of missense changes on protein structure and function (SIFT, PolyPhen-2, Align-GVGD) all suggest that this variant is likely to be tolerated. In summary, the available evidence is currently insufficient to determine the role of this variant in disease. Therefore, it has been classified as a Variant of Uncertain Significance.